The following is an entry in ClinVar:

ClinVar aggregate classification (germline): Pathogenic/Likely pathogenic. Review status: criteria provided, multiple submitters, no conflicts (2 of 4 stars). 7 submissions from 7 submitters: Pathogenic (4); Likely pathogenic (1). 2 of the submissions do not count toward it. Last evaluated 2025-06-27.

Conditions:
Hereditary nonpolyposis colorectal neoplasms. Identifiers: MedGen C0009405, MeSH D003123.
Mismatch repair cancer syndrome 4. Identifiers: MedGen C5436817, MONDO:0030843, OMIM 619101.
Lynch syndrome 4 (LYNCH4). Also called: Colorectal cancer, hereditary nonpolyposis, type 4; Hereditary non-polyposis colorectal cancer, type 4. Identifiers: Orphanet 144, MedGen C1838333, MONDO:0013699, OMIM 614337. Disease mechanism: loss of function.
Hereditary cancer-predisposing syndrome. Also called: Hereditary neoplastic syndrome; Tumor predisposition; Neoplastic Syndromes, Hereditary; Hereditary Cancer Syndrome. Identifiers: Orphanet 140162, MedGen C0027672, MeSH D009386, MONDO:0015356.

Allele frequency attached by ClinVar (database versions not stated): gnomAD exomes below 0.00001.

Submissions (7):

Labcorp Genetics (formerly Invitae), Labcorp
Classification: Pathogenic for Hereditary nonpolyposis colorectal neoplasms. Last evaluated: 2025-06-27. Review status: criteria provided, single submitter. Criteria: Invitae Variant Classification Sherloc (09022015). Collection method: clinical testing. Allele origin: germline.
Comment: This sequence change affects a donor splice site in intron 13 of the PMS2 gene. It is expected to disrupt RNA splicing. Variants that disrupt the donor or acceptor splice site typically lead to a loss of protein function (PMID: 16199547), and loss-of-function variants in PMS2 are known to be pathogenic (PMID: 21376568, 24362816). The frequency data for this variant in the population databases (gnomAD) is considered unreliable due to the presence of homologous sequence, such as pseudogenes or paralogs, in the genome. Disruption of this splice site has been observed in individuals with clinical features of Lynch syndrome (PMID: 31992580, 33193653; internal data). ClinVar contains an entry for this variant (Variation ID: 449208). Algorithms developed to predict the effect of sequence changes on RNA splicing suggest that this variant may disrupt the consensus splice site. For these reasons, this variant has been classified as Pathogenic.

Myriad Genetics, Inc.
Classification: Likely pathogenic for Lynch syndrome 4. Last evaluated: 2023-09-22. Review status: criteria provided, single submitter. Criteria: Myriad Autosomal Dominant, Autosomal Recessive and X-Linked Classification Criteria (2023). Collection method: clinical testing. Allele origin: unknown.
Comment: This variant is considered likely pathogenic. This variant occurs within a consensus splice junction and is predicted to result in abnormal mRNA splicing of either an out-of-frame exon or an in-frame exon necessary for protein stability and/or normal function.

Ambry Genetics
Classification: Pathogenic for Hereditary cancer-predisposing syndrome. Last evaluated: 2022-07-11. Review status: criteria provided, single submitter. Criteria: Ambry Variant Classification Scheme 2023. Collection method: clinical testing. Allele origin: germline.
Comment: The c.2275+1G>A intronic pathogenic mutation results from a G to A substitution one nucleotide after coding exon 13 of the PMS2 gene. This alteration has been identified in multiple individuals diagnosed with colorectal cancer that demonstrated microsatellite instability with absent PMS2 protein expression by immunohistochemistry (van der Klift HM et al. Hum. Mutat. 2016 11;37:1162-1179; Wang et al. J. Med. Genet. 2020 07;57(7):487-499), where subsequent RNA analysis demonstrated aberrant PMS2 splicing resulting in a premature termination codon (van der Klift HM et al. Hum. Mutat. 2016 11;37:1162-1179). This variant is considered to be rare based on population cohorts in the Genome Aggregation Database (gnomAD). In silico splice site analysis predicts that this alteration will weaken the native splice donor site. In addition to the clinical data presented in the literature, alterations that disrupt the canonical splice site are expected to cause aberrant splicing, resulting in an abnormal protein or a transcript that is subject to nonsense-mediated mRNA decay. Based on the supporting evidence, this alteration is interpreted as a disease-causing mutation.

GeneDx
Classification: Pathogenic. Last evaluated: 2017-04-04. Review status: criteria provided, single submitter. Criteria: GeneDx Variant Classification (06012015). Collection method: clinical testing. Allele origin: germline. Affected: yes.
Comment: This variant is denoted PMS2 c.2275+1G>A or IVS13+1G>A and consists of a G>A nucleotide substitution at the +1 position of intron 13 of the PMS2 gene. This variant destroys a canonical splice donor site and is predicted to cause abnormal gene splicing, leading to either an abnormal message that is subject to nonsense-mediated mRNA decay or to an abnormal protein product. This variant has been reported in at least two individuals with Lynch-associated personal and family histories where tumor testing in both individuals reported microsatellite instability and immunohistochemistry showing the presence of MLH1 and the absence of PMS2 (van der Klift 2016). Based on the current evidence, we consider this variant to be pathogenic.

Juno Genomics, Hangzhou Juno Genomics, Inc
Classification: Pathogenic for Lynch syndrome 4; Mismatch repair cancer syndrome 4. Review status: criteria provided, single submitter. Criteria: ACMG Guidelines, 2015. Collection method: clinical testing. Allele origin: germline.
Comment: Absent from controls (or at extremely low frequency if recessive) in Genome Aggregation Database.;Null variant in a gene where loss of function (LOF) is a known mechanism of disease.;Patient's phenotype or family history is highly specific for a disease with a single genetic etiology.

Clinical Genetics Laboratory, Department of Pathology, Netherlands Cancer Institute
Classification: Pathogenic. Review status: no assertion criteria provided. Collection method: clinical testing. Allele origin: germline. Affected: yes. Study: VKGL Data-share Consensus. Not counted in ClinVar's aggregate classification.

Joint Genome Diagnostic Labs from Nijmegen and Maastricht, Radboudumc and MUMC+
Classification: Pathogenic. Review status: no assertion criteria provided. Collection method: clinical testing. Allele origin: germline. Affected: yes. Study: VKGL Data-share Consensus. Not counted in ClinVar's aggregate classification.

Literature cited by the submitters: PubMed 16199547 (cited by Labcorp Genetics (formerly Invitae), Labcorp); PubMed 21376568 (cited by Labcorp Genetics (formerly Invitae), Labcorp); PubMed 24362816 (cited by Labcorp Genetics (formerly Invitae), Labcorp); PubMed 31992580 (cited by Labcorp Genetics (formerly Invitae), Labcorp and Ambry Genetics); PubMed 33193653 (cited by Labcorp Genetics (formerly Invitae), Labcorp); PubMed 27435373 (cited by Ambry Genetics).

NM_000535.7(PMS2):c.2275+1G>A

Gene: PMS2 (PMS1 homolog 2, mismatch repair system component; minus strand). Cytogenetic location: 7p22.1.
Variant type: single nucleotide variant.
Coding change: c.2275+1G>A on transcript NM_000535.7 (MANE Select); the canonical splice donor site of the intron after coding-DNA position 2275, G replaced by A.
Molecular consequence: splice donor variant. On other transcripts: intron variant (2).
Genome position (GRCh38, 1-based): chr7:5,978,595, C>T on the plus strand (G>A on the coding strand, the complement: PMS2 is on the minus strand). VCF-style: chr7-5978595-C-T. GRCh37 (hg19) VCF-style: chr7-6018226-C-T.
Other names: c.1957+1G>A (NM_001322008.2, NM_001406883.1, NM_001322007.2 and 1 more transcripts); c.1966+1G>A (NM_001406881.1, NM_001406882.1, NM_001406875.1 and 5 more transcripts); c.1870+1G>A (NM_001406895.1, NM_001322005.2, NM_001322004.2 and 14 more transcripts); c.1504+1G>A (NM_001406911.1); c.1714+1G>A (NM_001322010.2, NM_001406906.1, NM_001406907.1); c.1801+1G>A (NM_001406902.1, NM_001406901.1); c.1762+1G>A (NM_001406904.1, NM_001406905.1); c.1702+1G>A (NM_001322013.2, NM_001406908.1, NM_001406909.1); and 16 more.
Identifiers: ClinVar variation 449208 (VCV000449208.13), dbSNP rs1554294393, ClinGen allele CA366736386.
Genomic context (GRCh38, chr7:5,978,595, plus strand): 5'-TGCTGGGATTACAGACGTGAGCCACCACACCCAGCCGCTATAGTTCTAATTAATAACTTA[C>T]CATTTTCATCGATAACAAAATCAAAGCCATTCTTTCTAAATATTTCCAGATTTTCTATCA-3'